The following is an entry in ClinVar:

NM_002834.5(PTPN11):c.1186T>C (p.Tyr396His)

Gene: PTPN11 (protein tyrosine phosphatase non-receptor type 11; plus strand). Cytogenetic location: 12q24.13.
Variant type: single nucleotide variant.
Coding change: c.1186T>C on transcript NM_002834.5 (MANE Select); coding-DNA position 1186, T replaced by C.
Protein change: p.Tyr396His; replaces tyrosine 396 with histidine.
Molecular consequence: missense variant.
Genome position (GRCh38, 1-based): chr12:112,482,167, T>C. VCF-style: chr12-112482167-T-C. GRCh37 (hg19) VCF-style: chr12-112919971-T-C.
Other names: c.1186T>C, p.Tyr396His (NM_001330437.2, NM_080601.3); c.1183T>C, p.Tyr395His (NM_001374625.1); short protein forms Y396H, Y395H.
Identifiers: ClinVar variation 2095926 (VCV002095926.5), dbSNP rs2540457135, ClinGen allele CA386775982.

ClinVar aggregate classification (germline): Uncertain significance. Review status: criteria provided, multiple submitters, no conflicts (2 of 4 stars). 2 submissions from 2 submitters: Uncertain significance (2). Last evaluated 2025-06-30.

Conditions:
RASopathy. Also called: rasopathies; Noonan spectrum disorder. Identifiers: Orphanet 536391, MedGen C5555857, MONDO:0021060.

Allele frequency attached by ClinVar (database versions not stated): gnomAD exomes below 0.00001.
gnomAD v4.1: 2 of 1,613,856 alleles (0.00012%); highest among the groups gnomAD compares: Non-Finnish European, 0.00017%; no homozygotes.

Submissions (2):

GeneDx
Classification: Uncertain significance. Last evaluated: 2025-06-30. Review status: criteria provided, single submitter. Criteria: GeneDx Variant Classification Process June 2021. Collection method: clinical testing. Allele origin: germline. Affected: yes.
Comment: Identified in a patient with Noonan syndrome who also harbored the p.(D395Y) variant in cis, as both variants were present in this individual's father who had congenital total alopecia as the only feature (PMID: 24451042); Not observed at significant frequency in large population cohorts (gnomAD); In silico analysis supports that this missense variant has a deleterious effect on protein structure/function; Missense variants in this gene are a common cause of disease and they are underrepresented in the general population; This variant is associated with the following publications: (PMID: 29493581, 24451042)

Labcorp Genetics (formerly Invitae), Labcorp
Classification: Uncertain significance for RASopathy. Last evaluated: 2022-06-28. Review status: criteria provided, single submitter. Criteria: Invitae Variant Classification Sherloc (09022015). Collection method: clinical testing. Allele origin: germline.
Comment: In summary, the available evidence is currently insufficient to determine the role of this variant in disease. Therefore, it has been classified as a Variant of Uncertain Significance. Advanced modeling of protein sequence and biophysical properties (such as structural, functional, and spatial information, amino acid conservation, physicochemical variation, residue mobility, and thermodynamic stability) performed at Invitae indicates that this missense variant is expected to disrupt PTPN11 protein function. This missense change has been observed in individual(s) with Noonan syndrome (PMID: 24451042). This variant is not present in population databases (gnomAD no frequency). This sequence change replaces tyrosine, which is neutral and polar, with histidine, which is basic and polar, at codon 396 of the PTPN11 protein (p.Tyr396His).

Literature cited by the submitters: PubMed 24451042 (cited by Labcorp Genetics (formerly Invitae), Labcorp).